The following is an entry in ClinVar:

ClinVar aggregate classification (germline): Uncertain significance (1 of 4 stars; one submission).

Submission:

GeneDx
Classification: Uncertain significance. Last evaluated: 2018-05-01. Review status: criteria provided, single submitter. Criteria: GeneDx Variant Classification (06012015). Collection method: clinical testing. Allele origin: germline. Affected: yes.
Comment: The E1547Q variant has not been published as a pathogenic variant, nor has it been reported as a benign variant to our knowledge. The variant is not observed in large population cohorts (Lek et al., 2016). E1547Q is a semi-conservative amino acid substitution, which may impact secondary protein structure as these residues differ in some properties. However, in-silico analyses, including protein predictors and evolutionary conservation, support that this variant does not alter protein structure/function. In summary, based on the currently available information, it is unclear whether this variant is a pathogenic variant or a rare benign variant.

NM_002473.6(MYH9):c.4639G>C (p.Glu1547Gln)

Gene: MYH9 (myosin heavy chain 9; minus strand). Cytogenetic location: 22q12.3.
Variant type: single nucleotide variant.
Coding change: c.4639G>C on transcript NM_002473.6 (MANE Select); coding-DNA position 4639, G replaced by C.
Protein change: p.Glu1547Gln; replaces glutamic acid 1547 with glutamine.
Molecular consequence: missense variant.
Genome position (GRCh38, 1-based): chr22:36,288,858, C>G on the plus strand (G>C on the coding strand, the complement: MYH9 is on the minus strand). VCF-style: chr22-36288858-C-G. GRCh37 (hg19) VCF-style: chr22-36684904-C-G.
Other names: short protein forms E1547Q.
Identifiers: ClinVar variation 546149 (VCV000546149.2), dbSNP rs1556630000, ClinGen allele CA411378022.
Genomic context (GRCh38, chr22:36,288,858, plus strand): 5'-CCTTCATGGCCTGCAGGTTGACCTCCAACCGCAGCTTGGCATCTTCGGTGGCCTGCAGCT[C>G]GTCCTCCAGCTCTTCCAGCTGCGTCTTCATCTCCTCCACCTGCTGCTCTAGGGCCCGCTT-3'
Protein context (NP_002464.1, residues 1537-1557): MKTQLEELED[Glu1547Gln]LQATEDAKLR